The following is an entry in ClinVar:

ClinVar aggregate classification (germline): Uncertain significance (0 of 4 stars; one submission).

Conditions:
LCT-related disorder. Also called: LCT-related condition.

gnomAD v4.1: 1 of 1,614,124 alleles (0.000062%); highest among the groups gnomAD compares: Non-Finnish European, 0.000085%; no homozygotes.

Submission:

PreventionGenetics, part of Exact Sciences
Classification: Uncertain significance for LCT-related condition. Last evaluated: 2024-07-18. Review status: no assertion criteria provided. Collection method: clinical testing. Allele origin: germline.
Comment: The LCT c.2550G>C variant is predicted to result in the amino acid substitution p.Lys850Asn. To our knowledge, this variant has not been reported in the literature or in a large population database, indicating this variant is rare. At this time, the clinical significance of this variant is uncertain due to the absence of conclusive functional and genetic evidence.

NM_002299.4(LCT):c.2550G>C (p.Lys850Asn)

Gene: LCT (lactase; minus strand). Cytogenetic location: 2q21.3.
Variant type: single nucleotide variant.
Coding change: c.2550G>C on transcript NM_002299.4 (MANE Select); coding-DNA position 2550, G replaced by C.
Protein change: p.Lys850Asn; replaces lysine 850 with asparagine.
Molecular consequence: missense variant.
Genome position (GRCh38, 1-based): chr2:135,809,797, C>G on the plus strand (G>C on the coding strand, the complement: LCT is on the minus strand). VCF-style: chr2-135809797-C-G. GRCh37 (hg19) VCF-style: chr2-136567367-C-G.
Other names: short protein forms K850N.
Identifiers: ClinVar variation 3358663 (VCV003358663.1).